The following is an entry in ClinVar:

NM_032043.3(BRIP1):c.1936-12_1936-10del

Gene: BRIP1 (BRCA1 interacting DNA helicase 1; minus strand). Cytogenetic location: 17q23.2.
Variant type: Deletion.
Coding change: c.1936-12_1936-10del on transcript NM_032043.3 (MANE Select); 12 bases into the intron before coding-DNA position 1936 through 10 bases into the intron before coding-DNA position 1936, 3 bases deleted (TTC; older notation c.1936-12_1936-10delTTC).
Molecular consequence: intron variant.
Genome position (GRCh38, 1-based): chr17:61,776,572-61,776,574, GAA deleted on the plus strand (TTC on the coding strand, the reverse complement: BRIP1 is on the minus strand). VCF-style (leftmost placement, unchanged base first): chr17-61776571-TGAA-T. GRCh37 (hg19) VCF-style: chr17-59853932-TGAA-T.
Identifiers: ClinVar variation 1063037 (VCV001063037.11), dbSNP rs2145034941, ClinGen allele CA2499224793.

ClinVar aggregate classification (germline): Uncertain significance. Review status: criteria provided, multiple submitters, no conflicts (2 of 4 stars). 2 submissions from 2 submitters: Uncertain significance (2). Last evaluated 2022-10-13.

Conditions:
Familial cancer of breast. Also called: hereditary breast carcinoma; BREAST CANCER, FAMILIAL; Hereditary breast cancer. Identifiers: Orphanet 227535, MedGen C0346153, MONDO:0016419, OMIM 114480. Disease mechanism: loss of function.
Fanconi anemia complementation group J. Also called: BRIP1-Related Fanconi Anemia. Identifiers: Orphanet 84, MedGen C1836860, MONDO:0012187, OMIM 609054.

Submissions (2):

Labcorp Genetics (formerly Invitae), Labcorp
Classification: Uncertain significance for Familial cancer of breast; Fanconi anemia complementation group J. Last evaluated: 2022-10-13. Review status: criteria provided, single submitter. Criteria: Invitae Variant Classification Sherloc (09022015). Collection method: clinical testing. Allele origin: germline.
Comment: Algorithms developed to predict the effect of sequence changes on RNA splicing suggest that this variant may disrupt the consensus splice site. This sequence change falls in intron 13 of the BRIP1 gene. It does not directly change the encoded amino acid sequence of the BRIP1 protein. This variant is not present in population databases (gnomAD no frequency). This variant has not been reported in the literature in individuals affected with BRIP1-related conditions. ClinVar contains an entry for this variant (Variation ID: 1063037). In summary, the available evidence is currently insufficient to determine the role of this variant in disease. Therefore, it has been classified as a Variant of Uncertain Significance.

GeneDx
Classification: Uncertain significance. Last evaluated: 2019-10-29. Review status: criteria provided, single submitter. Criteria: GeneDx Variant Classification Process June 2021. Collection method: clinical testing. Allele origin: germline. Affected: yes.
Comment: Not observed in large population cohorts (Lek 2016); In silico analysis, which includes splice predictors and evolutionary conservation, supports a deleterious effect; Has not been previously published as pathogenic or benign to our knowledge